The following is an entry in ClinVar:

NM_014588.6(VSX1):c.18G>T (p.Ser6=)

Gene: VSX1 (visual system homeobox 1; minus strand). Cytogenetic location: 20p11.21.
Variant type: single nucleotide variant.
Coding change: c.18G>T on transcript NM_014588.6 (MANE Select); coding-DNA position 18, G replaced by T.
Protein change: p.Ser6=; no amino-acid change (serine 6 retained).
Molecular consequence: synonymous variant. On other transcripts: non-coding transcript variant (2).
Genome position (GRCh38, 1-based): chr20:25,082,079, C>A on the plus strand (G>T on the coding strand, the complement: VSX1 is on the minus strand). VCF-style: chr20-25082079-C-A. GRCh37 (hg19) VCF-style: chr20-25062715-C-A.
Other names: c.18G>T, p.Ser6= (NM_001256271.2, NM_001256272.2, NM_199425.3).
Identifiers: ClinVar variation 260423 (VCV000260423.15), dbSNP rs8123716, ClinGen allele CA9793715.
Genomic context (GRCh38, chr20:25,082,079, plus strand): 5'-CGAGCCCCTAGGGGAACCGCCAGGCACCAGCGCCCTGCTGCTAGTGCGCCCGTCGGAAAG[C>A]GAGTCCCGGCCGGTCATGGTTCCTTAGCAAGCAAGGCGCGAGCCTCTCTGGATCCCGTTT-3'
Protein context (NP_055403.2, residues 1-16): MTGRD[Ser6=]LSDGRTSSRA

ClinVar aggregate classification (germline): Benign/Likely benign. Review status: criteria provided, multiple submitters, no conflicts (2 of 4 stars). 5 submissions from 5 submitters: Benign (4); Likely benign (1). Last evaluated 2026-01-29.

Conditions:
Posterior polymorphous corneal dystrophy. Also called: Polymorphous corneal dystrophy; CORNEAL DYSTROPHY, HEREDITARY POLYMORPHOUS POSTERIOR. Identifiers: Orphanet 98973, MedGen C0339284, MONDO:0020364, HP:0007915.

Allele frequency attached by ClinVar (database versions not stated): 1000 Genomes Project 0.02716; 1000 Genomes Project 30x 0.02904; ExAC 0.04629; ESP Exome Variant Server 0.04983; gnomAD exomes 0.05757 and 0.08618; TOPMed 0.05845; gnomAD 0.06368 and 0.06535.
gnomAD v4.1: 128,484 of 1,538,440 alleles (8.4%); highest among the groups gnomAD compares: Non-Finnish European, 9.8%; 6,213 homozygotes.

Submissions (5):

Labcorp Genetics (formerly Invitae), Labcorp
Classification: Benign. Last evaluated: 2026-01-29. Review status: criteria provided, single submitter. Criteria: Invitae Variant Classification Sherloc (09022015). Collection method: clinical testing. Allele origin: germline.

Blueprint Genetics
Classification: Likely benign. Last evaluated: 2024-11-28. Review status: criteria provided, single submitter. Criteria: ACMG Guidelines, 2015. Collection method: clinical testing. Allele origin: germline.

Illumina Laboratory Services, Illumina
Classification: Benign for Polymorphous corneal dystrophy. Last evaluated: 2018-01-12. Review status: criteria provided, single submitter. Criteria: ICSL Variant Classification Criteria 13 December 2019. Collection method: clinical testing. Allele origin: germline.
Comment: This variant was observed in the ICSL laboratory as part of a predisposition screen in an ostensibly healthy population. It had not been previously curated by ICSL or reported in the Human Gene Mutation Database (HGMD: prior to June 1st, 2018), and was therefore a candidate for classification through an automated scoring system. Utilizing variant allele frequency, disease prevalence and penetrance estimates, and inheritance mode, an automated score was calculated to assess if this variant is too frequent to cause the disease. Based on the score and internal cut-off values, a variant classified as benign is not then subjected to further curation. The score for this variant resulted in a classification of benign for this disease.

Breakthrough Genomics
Classification: Benign. Review status: criteria provided, single submitter. Criteria: ACMG Guidelines, 2015. Collection method: not provided. Allele origin: germline. Inheritance: Autosomal dominant inheritance. Affected: yes.

PreventionGenetics, part of Exact Sciences
Classification: Benign. Review status: criteria provided, single submitter. Criteria: ACMG Guidelines, 2015. Collection method: clinical testing. Allele origin: germline.